The following is an entry in ClinVar:

NM_001195263.2(PDZD7):c.2888C>A (p.Ala963Asp)

Gene: PDZD7 (PDZ domain containing 7; minus strand). Cytogenetic location: 10q24.31.
Variant type: single nucleotide variant.
Coding change: c.2888C>A on transcript NM_001195263.2 (MANE Select); coding-DNA position 2888, C replaced by A.
Protein change: p.Ala963Asp; replaces alanine 963 with aspartic acid.
Molecular consequence: missense variant.
Genome position (GRCh38, 1-based): chr10:101,008,681, G>T on the plus strand (C>A on the coding strand, the complement: PDZD7 is on the minus strand). VCF-style: chr10-101008681-G-T. GRCh37 (hg19) VCF-style: chr10-102768438-G-T.
Other names: c.2885C>A, p.Ala962Asp (NM_001437429.1); short protein forms A962D, A963D.
Identifiers: ClinVar variation 4995088 (VCV004995088.1).
Genomic context (GRCh38, chr10:101,008,681, plus strand): 5'-GCAGCATCAAGGGGTTGGTGGGCAGGCAAGTGGTCAGCAGGAAGGCCCCCATCAGTAAGG[G>T]CTGATGAGTCAGAGGGTGAGGGCCGTGGGCTGGGCCCGGGGACCCTGACCACAAGCTCCA-3'
Protein context (NP_001182192.1, residues 953-973): SPRPSPSDSS[Ala963Asp]LTDGGLPADH

ClinVar aggregate classification (germline): Uncertain significance (1 of 4 stars; one submission).

Conditions:
PDZD7-related disorder. Also called: PDZD7-related condition; PDZD7-related disorders.

Submission:

PreventionGenetics, part of Exact Sciences
Classification: Uncertain significance for PDZD7-related condition. Last evaluated: 2026-07-09. Review status: criteria provided, single submitter. Criteria: ACMG Guidelines, 2015. Collection method: clinical testing. Allele origin: germline.
Comment: The PDZD7 c.2888C>A variant is predicted to result in the amino acid substitution p.Ala963Asp. To our knowledge, this variant has not been reported in the literature or in a large population database (gnomAD), indicating this variant is rare. At this time, the clinical significance of this variant is uncertain due to the absence of conclusive functional and genetic evidence.